The following is an entry in ClinVar:

ClinVar aggregate classification (germline): Uncertain significance. Review status: criteria provided, multiple submitters, no conflicts (2 of 4 stars). 3 submissions from 3 submitters: Uncertain significance (3). Last evaluated 2026-09-21.

Conditions:
Distal myopathy with posterior leg and anterior hand involvement. Also called: WILLIAMS DISTAL MYOPATHY. Identifiers: Orphanet 63273, MedGen C3279722, MONDO:0013550, OMIM 614065.
Hypertrophic cardiomyopathy 26. Also called: Cardiomyopathy, familial hypertrophic, 26. Identifiers: Orphanet 75249, MedGen C4310749, MONDO:0014883, OMIM 617047.
Myofibrillar myopathy 5. Also called: Filaminopathy (type); FILAMINOPATHY, AUTOSOMAL DOMINANT. Identifiers: Orphanet 171445, MedGen C1836050, MONDO:0012289, OMIM 609524.
Cardiovascular phenotype. Identifiers: MedGen CN230736.

Allele frequency attached by ClinVar (database versions not stated): gnomAD exomes 0.00004 and 0.00002; TOPMed 0.00001.
gnomAD v4.1: 63 of 1,613,198 alleles (0.0039%); highest among the groups gnomAD compares: Non-Finnish European, 0.005%; 1 homozygote.

Submissions (3):

Molecular Diagnostic Laboratory for Inherited Cardiovascular Disease, Montreal Heart Institute
Classification: Uncertain significance for Cardiovascular phenotype. Last evaluated: 2026-09-21. Review status: criteria provided, single submitter. Criteria: ACMG Guidelines, 2015. Collection method: clinical testing. Allele origin: germline. Affected: yes.

Ambry Genetics
Classification: Uncertain significance for Cardiovascular phenotype. Last evaluated: 2025-08-06. Review status: criteria provided, single submitter. Criteria: Ambry Variant Classification Scheme 2023. Collection method: clinical testing. Allele origin: germline.
Comment: The p.G2198D variant (also known as c.6593G>A), located in coding exon 40 of the FLNC gene, results from a G to A substitution at nucleotide position 6593. The glycine at codon 2198 is replaced by aspartic acid, an amino acid with similar properties. This amino acid position is well conserved in available vertebrate species. In addition, this alteration is predicted to be deleterious by in silico analysis. Since supporting evidence is limited at this time, the clinical significance of this alteration remains unclear.

Labcorp Genetics (formerly Invitae), Labcorp
Classification: Uncertain significance for Distal myopathy with posterior leg and anterior hand involvement; Myofibrillar myopathy 5; Hypertrophic cardiomyopathy 26. Last evaluated: 2025-07-27. Review status: criteria provided, single submitter. Criteria: Invitae Variant Classification Sherloc (09022015). Collection method: clinical testing. Allele origin: germline.
Comment: This sequence change replaces glycine, which is neutral and non-polar, with aspartic acid, which is acidic and polar, at codon 2198 of the FLNC protein (p.Gly2198Asp). This variant is present in population databases (no rsID available, gnomAD 0.003%). This variant has not been reported in the literature in individuals affected with FLNC-related conditions. ClinVar contains an entry for this variant (Variation ID: 654959). An algorithm developed to predict the effect of missense changes on protein structure and function (PolyPhen-2) suggests that this variant is likely to be tolerated. In summary, the available evidence is currently insufficient to determine the role of this variant in disease. Therefore, it has been classified as a Variant of Uncertain Significance.

NM_001458.5(FLNC):c.6593G>A (p.Gly2198Asp)

Genes: FLNC (filamin C; plus strand), FLNC-AS1 (FLNC antisense RNA 1; minus strand). Cytogenetic location: 7q32.1.
Variant type: single nucleotide variant.
Coding change: c.6593G>A on transcript NM_001458.5 (MANE Select); coding-DNA position 6593, G replaced by A.
Protein change: p.Gly2198Asp; replaces glycine 2198 with aspartic acid.
Molecular consequence: missense variant.
Genome position (GRCh38, 1-based): chr7:128,854,082, G>A. VCF-style: chr7-128854082-G-A. GRCh37 (hg19) VCF-style: chr7-128494136-G-A.
Other names: c.6494G>A, p.Gly2165Asp (NM_001127487.2); short protein forms G2198D, G2165D.
Identifiers: ClinVar variation 654959 (VCV000654959.13), dbSNP rs909093665, ClinGen allele CA166191115.